The following is an entry in ClinVar:

ClinVar aggregate classification (germline): Uncertain significance (1 of 4 stars; one submission).

Conditions:
Hereditary cancer-predisposing syndrome. Also called: Neoplastic Syndromes, Hereditary; Tumor predisposition; Hereditary Cancer Syndrome; Hereditary neoplastic syndrome. Identifiers: Orphanet 140162, MedGen C0027672, MeSH D009386, MONDO:0015356.

Submission:

Ambry Genetics
Classification: Uncertain significance for Hereditary cancer-predisposing syndrome. Last evaluated: 2022-02-01. Review status: criteria provided, single submitter. Criteria: Ambry Variant Classification Scheme 2023. Collection method: clinical testing. Allele origin: germline.
Comment: The p.A138T variant (also known as c.412G>A), located in coding exon 6 of the BAP1 gene, results from a G to A substitution at nucleotide position 412. The alanine at codon 138 is replaced by threonine, an amino acid with similar properties. This amino acid position is highly conserved in available vertebrate species. In addition, the in silico prediction for this alteration is inconclusive. Since supporting evidence is limited at this time, the clinical significance of this alteration remains unclear.

NM_004656.4(BAP1):c.412G>A (p.Ala138Thr)

Gene: BAP1 (BRCA1 associated deubiquitinase 1; minus strand). Cytogenetic location: 3p21.1.
Variant type: single nucleotide variant.
Coding change: c.412G>A on transcript NM_004656.4 (MANE Select); coding-DNA position 412, G replaced by A.
Protein change: p.Ala138Thr; replaces alanine 138 with threonine.
Molecular consequence: missense variant.
Genome position (GRCh38, 1-based): chr3:52,407,424, C>T on the plus strand (G>A on the coding strand, the complement: BAP1 is on the minus strand). VCF-style: chr3-52407424-C-T. GRCh37 (hg19) VCF-style: chr3-52441440-C-T.
Other names: c.412G>A, p.Ala138Thr (NM_001410772.1); short protein forms A138T.
Identifiers: ClinVar variation 1738077 (VCV001738077.2), dbSNP rs2153227952, ClinGen allele CA353110911.